The following is an entry in ClinVar:

NM_003055.3(SLC18A3):c.418C>T (p.Pro140Ser)

Genes: CHAT (choline O-acetyltransferase; plus strand), SLC18A3 (solute carrier family 18 member A3; plus strand). Cytogenetic location: 10q11.23.
Variant type: single nucleotide variant.
Coding change: c.418C>T on transcript NM_003055.3 (MANE Select); coding-DNA position 418, C replaced by T.
Protein change: p.Pro140Ser; replaces proline 140 with serine.
Molecular consequence: missense variant. On other transcripts: intron variant (1).
Genome position (GRCh38, 1-based): chr10:49,611,158, C>T. VCF-style: chr10-49611158-C-T. GRCh37 (hg19) VCF-style: chr10-50819204-C-T.
Other names: c.-69+1959C>T (NM_020984.4); short protein forms P140S.
Identifiers: ClinVar variation 1963766 (VCV001963766.5), dbSNP rs2496270835, ClinGen allele CA376718480.

ClinVar aggregate classification (germline): Uncertain significance (1 of 4 stars; one submission).

Allele frequency attached by ClinVar (database versions not stated): gnomAD exomes below 0.00001.
gnomAD v4.1: 7 of 1,614,192 alleles (0.00043%); highest among the groups gnomAD compares: Non-Finnish European, 0.00059%; no homozygotes.

Submission:

Labcorp Genetics (formerly Invitae), Labcorp
Classification: Uncertain significance. Last evaluated: 2022-05-28. Review status: criteria provided, single submitter. Criteria: Invitae Variant Classification Sherloc (09022015). Collection method: clinical testing. Allele origin: germline.
Comment: This variant has not been reported in the literature in individuals affected with SLC18A3-related conditions. Algorithms developed to predict the effect of missense changes on protein structure and function (SIFT, PolyPhen-2, Align-GVGD) all suggest that this variant is likely to be disruptive. In summary, the available evidence is currently insufficient to determine the role of this variant in disease. Therefore, it has been classified as a Variant of Uncertain Significance. This sequence change replaces proline, which is neutral and non-polar, with serine, which is neutral and polar, at codon 140 of the SLC18A3 protein (p.Pro140Ser). This variant is not present in population databases (gnomAD no frequency).